The following is an entry in ClinVar:

ClinVar aggregate classification (germline): Conflicting classifications of pathogenicity. Review status: criteria provided, conflicting classifications (1 of 4 stars). 8 submissions from 8 submitters: Uncertain significance (2); Likely benign (5). 1 of the submissions does not count toward it. Last evaluated 2025-12-09.

Conditions:
Hereditary nonpolyposis colorectal neoplasms. Identifiers: MedGen C0009405, MeSH D003123.
Hereditary cancer-predisposing syndrome. Also called: Tumor predisposition; Hereditary Cancer Syndrome; Hereditary neoplastic syndrome; Neoplastic Syndromes, Hereditary. Identifiers: Orphanet 140162, MedGen C0027672, MeSH D009386, MONDO:0015356.
Lynch syndrome. Identifiers: Orphanet 144, MedGen C4552100, MONDO:0005835. Disease mechanism: loss of function.
PMS2-related disorder. Also called: PMS2-related condition.
Lynch syndrome 4 (LYNCH4). Also called: Colorectal cancer, hereditary nonpolyposis, type 4; Hereditary non-polyposis colorectal cancer, type 4. Identifiers: Orphanet 144, MedGen C1838333, MONDO:0013699, OMIM 614337. Disease mechanism: loss of function.

Submissions (8):

Labcorp Genetics (formerly Invitae), Labcorp
Classification: Likely benign for Hereditary nonpolyposis colorectal neoplasms. Last evaluated: 2025-12-09. Review status: criteria provided, single submitter. Criteria: Invitae Variant Classification Sherloc (09022015). Collection method: clinical testing. Allele origin: germline.

Hema, HEMA – Genetic and Molecular Diagnostic Laboratory
Classification: Uncertain significance for Lynch syndrome. Last evaluated: 2025-09-24. Review status: criteria provided, single submitter. Criteria: HEMA Variant Classification Assertion Criteria. Collection method: clinical testing. Allele origin: germline.
Comment: The variant c.989-8dup is a duplication in the acceptor splicing region of intron 9 of PMS2. PM2_Supporting: Present at very low frequency in the gnomAD v4.1.0 database. BP4: According to the splicing predictor SpliceAI, the variant does not affect splicing (Δ score = 0.01 ≤ 0.1).

Women's Health and Genetics/Laboratory Corporation of America, LabCorp
Classification: Likely benign. Last evaluated: 2025-04-28. Review status: criteria provided, single submitter. Criteria: LabCorp Variant Classification Summary - May 2015. Collection method: clinical testing. Allele origin: germline.
Comment: Variant summary: PMS2 c.989-8dupT alters a conserved nucleotide located at a position not widely known to affect splicing. Consensus agreement among computation tools predict no significant impact on normal splicing. However, these predictions have yet to be confirmed by functional studies. The variant was absent in 244672 control chromosomes. The available data on variant occurrences in the general population are insufficient to allow any conclusion about variant significance. To our knowledge, no occurrence of c.989-8dupT in individuals affected with Hereditary Nonpolyposis Colorectal Cancer and no experimental evidence demonstrating its impact on protein function have been reported. ClinVar contains an entry for this variant (Variation ID: 455752). Based on the evidence outlined above, the variant was classified as likely benign.

Myriad Genetics, Inc.
Classification: Likely benign for Lynch syndrome 4. Last evaluated: 2025-01-29. Review status: criteria provided, single submitter. Criteria: Myriad Autosomal Dominant, Autosomal Recessive and X-Linked Classification Criteria (2023). Collection method: clinical testing. Allele origin: unknown.
Comment: This variant is considered likely benign. This variant is intronic and is not expected to impact mRNA splicing.

All of Us Research Program, National Institutes of Health
Classification: Likely benign for Lynch syndrome. Last evaluated: 2023-07-10. Review status: criteria provided, single submitter. Criteria: ACMG Guidelines, 2015. Collection method: clinical testing. Allele origin: germline. Inheritance: Autosomal dominant inheritance. Observed: 1 variant allele, 1 heterozygote.
Comment: This study involves interpretation of variants in research participants for the purpose of population health screening. Participant phenotype was not available at the time of variant classification. Additional details can be found in publication PMID: 35346344, PMCID: PMC8962531

Quest Diagnostics Nichols Institute San Juan Capistrano
Classification: Uncertain significance. Last evaluated: 2023-05-30. Review status: criteria provided, single submitter. Criteria: Quest Diagnostics criteria. Collection method: clinical testing. Allele origin: unknown.
Comment: To the best of our knowledge, this variant has not been reported in the published literature. It also has not been reported in large, multi-ethnic general populations (Genome Aggregation Database). Analysis of this variant using software algorithms for the prediction of the effect of nucleotide changes on splicing yielded predictions that this variant does not affect PMS2 mRNA splicing . Based on the available information, we are unable to determine the clinical significance of this variant.

Color Diagnostics, LLC DBA Color Health
Classification: Likely benign for Hereditary cancer-predisposing syndrome. Last evaluated: 2016-12-07. Review status: criteria provided, single submitter. Criteria: ACMG Guidelines, 2015. Collection method: clinical testing. Allele origin: germline.

PreventionGenetics, part of Exact Sciences
Classification: Likely benign for PMS2-related condition. Last evaluated: 2023-05-04. Review status: no assertion criteria provided. Collection method: clinical testing. Allele origin: germline. Not counted in ClinVar's aggregate classification.
Comment: This variant is classified as likely benign based on ACMG/AMP sequence variant interpretation guidelines (Richards et al. 2015 PMID: 25741868, with internal and published modifications).

NM_000535.7(PMS2):c.989-8dup

Gene: PMS2 (PMS1 homolog 2, mismatch repair system component; minus strand). Cytogenetic location: 7p22.1.
Variant type: Duplication.
Coding change: c.989-8dup on transcript NM_000535.7 (MANE Select); 8 bases into the intron before coding-DNA position 989, one base duplicated (T; older notation c.989-8dupT).
Molecular consequence: intron variant.
Genome position (GRCh38, 1-based): chr7:5,989,963, A duplicated on the plus strand (T on the coding strand, the reverse complement: PMS2 is on the minus strand); the first of 6 consecutive A bases (chr7:5,989,963-5,989,968); duplicating any one gives the same sequence. VCF-style (leftmost placement, unchanged base first): chr7-5989962-C-CA. GRCh37 (hg19) VCF-style: chr7-6029593-C-CA.
Other names: c.989-8dupT (NM_000535.7, NM_000535.6); c.989-8dup (NM_000535.5, NM_001322014.2); c.671-8dup (NM_001322008.2, NM_001322007.2); c.583+2010dup (NM_001322010.2); c.584-8dup (NM_001322004.2, NM_001322003.2, NM_001322009.2 and 1 more transcripts); c.416-8dup (NM_001322013.2); c.56-8dup (NM_001322012.2, NM_001322011.2); c.680-8dup (NM_001322015.2); and 1 more.
Identifiers: ClinVar variation 455752 (VCV000455752.21), dbSNP rs1333503820, ClinGen allele CA658655988.